The following is an entry in ClinVar:

NM_021096.4(CACNA1I):c.1228C>T (p.Arg410Trp)

Gene: CACNA1I (calcium voltage-gated channel subunit alpha1 I; plus strand). Cytogenetic location: 22q13.1.
Variant type: single nucleotide variant.
Coding change: c.1228C>T on transcript NM_021096.4 (MANE Select); coding-DNA position 1228, C replaced by T.
Protein change: p.Arg410Trp; replaces arginine 410 with tryptophan.
Molecular consequence: missense variant.
Genome position (GRCh38, 1-based): chr22:39,646,647, C>T. VCF-style: chr22-39646647-C-T. GRCh37 (hg19) VCF-style: chr22-40042652-C-T.
Other names: c.1228C>T, p.Arg410Trp (NM_001003406.2); short protein forms R410W.
Identifiers: ClinVar variation 3336014 (VCV003336014.1).

ClinVar aggregate classification (germline): Uncertain significance (1 of 4 stars; one submission).

gnomAD v4.1: 9 of 1,574,688 alleles (0.00057%); highest among the groups gnomAD compares: East Asian, 0.0024%; no homozygotes.

Submission:

Women's Health and Genetics/Laboratory Corporation of America, LabCorp
Classification: Uncertain significance. Last evaluated: 2024-05-13. Review status: criteria provided, single submitter. Criteria: LabCorp Variant Classification Summary - May 2015. Collection method: clinical testing. Allele origin: germline.
Comment: Variant summary: CACNA1I c.1228C>T (p.Arg410Trp) results in a non-conservative amino acid change in the encoded protein sequence. Five of five in-silico tools predict a damaging effect of the variant on protein function. The variant allele was found at a frequency of 5.7e-06 in 1574688 control chromosomes (gnomAD database v4.0.0). The available data on variant occurrences in the general population are insufficient to allow any conclusion about variant significance. To our knowledge, no occurrence of c.1228C>T in individuals affected with Neurodevelopmental Disorder With Speech Impairment And With Or Without Seizures and no experimental evidence demonstrating its impact on protein function have been reported. No submitters have cited clinical-significance assessments for this variant to ClinVar. Based on the evidence outlined above, the variant was classified as uncertain significance.